The following is an entry in ClinVar:

NM_001351132.2(PEX5):c.1876C>T (p.Arg626Trp)

Gene: PEX5 (peroxisomal biogenesis factor 5; plus strand). Cytogenetic location: 12p13.31.
Variant type: single nucleotide variant.
Coding change: c.1876C>T on transcript NM_001351132.2 (MANE Select); coding-DNA position 1876, C replaced by T.
Protein change: p.Arg626Trp; replaces arginine 626 with tryptophan.
Molecular consequence: missense variant.
Genome position (GRCh38, 1-based): chr12:7,210,179, C>T. VCF-style: chr12-7210179-C-T. GRCh37 (hg19) VCF-style: chr12-7362775-C-T.
Other names: c.1852C>T, p.Arg618Trp (NM_000319.5); c.1921C>T, p.Arg641Trp (NM_001131023.2); c.1765C>T, p.Arg589Trp (NM_001131024.2, NM_001351124.3, NM_001351126.2 and 7 more transcripts); c.1876C>T, p.Arg626Trp (NM_001131025.2, NM_001131026.2, NM_001300789.3 and 4 more transcripts); c.1810C>T, p.Arg604Trp (NM_001351135.3, NM_001351138.2); c.1867C>T, p.Arg623Trp (NM_001351136.2); c.1741C>T, p.Arg581Trp (NM_001351139.2, NM_001351140.2, NM_001374649.2); short protein forms R581W, R589W, R604W, R623W, R626W, R641W, R618W.
Identifiers: ClinVar variation 880715 (VCV000880715.10), dbSNP rs148040746, ClinGen allele CA6426614.

ClinVar aggregate classification (germline): Uncertain significance. Review status: criteria provided, multiple submitters, no conflicts (2 of 4 stars). 4 submissions from 4 submitters: Uncertain significance (4). Last evaluated 2024-09-24.

Conditions:
Peroxisome biogenesis disorder 2A (Zellweger) (PBD2A). Also called: Cerebrohepatorenal syndrome, variant types. Identifiers: Orphanet 912, MedGen C3550273, MONDO:0008954, OMIM 214110.
Peroxisome biogenesis disorder 2B (PBD2B). Identifiers: Orphanet 44, MedGen C3550234, MONDO:0008736, OMIM 202370.
Inborn genetic diseases. Identifiers: MedGen C0950123, MeSH D030342.

Allele frequency attached by ClinVar (database versions not stated): gnomAD 0.00003; gnomAD exomes 0.00003 and 0.00006; TOPMed 0.00003; ExAC 0.00007; ESP Exome Variant Server 0.00008.
gnomAD v4.1: 57 of 1,614,096 alleles (0.0035%); highest among the groups gnomAD compares: Middle Eastern, 0.033%; no homozygotes.

Submissions (4):

Ambry Genetics
Classification: Uncertain significance for Inborn genetic diseases. Last evaluated: 2024-09-24. Review status: criteria provided, single submitter. Criteria: Ambry Variant Classification Scheme 2023. Collection method: clinical testing. Allele origin: germline.

Labcorp Genetics (formerly Invitae), Labcorp
Classification: Uncertain significance for Peroxisome biogenesis disorder 2B. Last evaluated: 2022-08-17. Review status: criteria provided, single submitter. Criteria: Invitae Variant Classification Sherloc (09022015). Collection method: clinical testing. Allele origin: germline.
Comment: This sequence change replaces arginine, which is basic and polar, with tryptophan, which is neutral and slightly polar, at codon 626 of the PEX5 protein (p.Arg626Trp). This variant is present in population databases (rs148040746, gnomAD 0.02%). This variant has not been reported in the literature in individuals affected with PEX5-related conditions. ClinVar contains an entry for this variant (Variation ID: 880715). Algorithms developed to predict the effect of missense changes on protein structure and function are either unavailable or do not agree on the potential impact of this missense change (SIFT: "Deleterious"; PolyPhen-2: "Benign"; Align-GVGD: "Class C0"). In summary, the available evidence is currently insufficient to determine the role of this variant in disease. Therefore, it has been classified as a Variant of Uncertain Significance.

Blueprint Genetics
Classification: Uncertain significance. Last evaluated: 2021-04-23. Review status: criteria provided, single submitter. Criteria: ACMG Guidelines, 2015. Collection method: clinical testing. Allele origin: germline.

Illumina Laboratory Services, Illumina
Classification: Uncertain significance for Peroxisome biogenesis disorder 2A (Zellweger). Last evaluated: 2018-01-13. Review status: criteria provided, single submitter. Criteria: ICSL Variant Classification Criteria 13 December 2019. Collection method: clinical testing. Allele origin: germline.